The following is an entry in ClinVar:

ClinVar aggregate classification (germline): Uncertain significance (1 of 4 stars; one submission).

Allele frequency attached by ClinVar (database versions not stated): gnomAD exomes below 0.00001; TOPMed below 0.00001; gnomAD 0.00001.

Submission:

Labcorp Genetics (formerly Invitae), Labcorp
Classification: Uncertain significance. Last evaluated: 2022-02-18. Review status: criteria provided, single submitter. Criteria: Invitae Variant Classification Sherloc (09022015). Collection method: clinical testing. Allele origin: germline.
Comment: In summary, the available evidence is currently insufficient to determine the role of this variant in disease. Therefore, it has been classified as a Variant of Uncertain Significance. Algorithms developed to predict the effect of missense changes on protein structure and function output the following: SIFT: "Tolerated"; PolyPhen-2: "Benign"; Align-GVGD: "Class C0". The serine amino acid residue is found in multiple mammalian species, which suggests that this missense change does not adversely affect protein function. This variant has not been reported in the literature in individuals affected with TMED7-related conditions. This variant is not present in population databases (gnomAD no frequency). This sequence change replaces proline, which is neutral and non-polar, with serine, which is neutral and polar, at codon 29 of the TMED7 protein (p.Pro29Ser).

NM_181836.6(TMED7):c.85C>T (p.Pro29Ser)

Genes: TMED7 (transmembrane p24 trafficking protein 7; minus strand), TMED7-TICAM2 (TMED7-TICAM2 readthrough; minus strand), LOC129994401 (ATAC-STARR-seq lymphoblastoid silent region 16254; plus strand). Cytogenetic location: 5q22.3.
Variant type: single nucleotide variant.
Coding change: c.85C>T on transcript NM_181836.6 (MANE Select); coding-DNA position 85, C replaced by T.
Protein change: p.Pro29Ser; replaces proline 29 with serine.
Molecular consequence: missense variant.
Genome position (GRCh38, 1-based): chr5:115,625,708, G>A on the plus strand (C>T on the coding strand, the complement: TMED7 is on the minus strand). VCF-style: chr5-115625708-G-A. GRCh37 (hg19) VCF-style: chr5-114961405-G-A.
Other names: c.85C>T, p.Pro29Ser (NM_001164468.4, NM_001164469.4); short protein forms P29S.
Identifiers: ClinVar variation 2098316 (VCV002098316.4), dbSNP rs1009601806, ClinGen allele CA125800548.
Genomic context (GRCh38, chr5:115,625,708, plus strand): 5'-AGCACTGCTTGGCGTTGTCAGGAAGCTCGAAGGTGATCTCAGAGGCGCCGCCGGGTCCAG[G>A]CACCAGTAGCAGCAGTGCGAGCAGCCTGCACCCCCAACGGCCCGCGACGGCCGCCCAGCG-3'
Protein context (NP_861974.1, residues 19-39): CRLLALLLLV[Pro29Ser]GPGGASEITF